The following is an entry in ClinVar:

ClinVar aggregate classification (germline): Uncertain significance (1 of 4 stars; one submission).

gnomAD v4.1: 2 of 1,613,704 alleles (0.00012%); highest among the groups gnomAD compares: African/African-American, 0.0027%; no homozygotes.

Submission:

Labcorp Genetics (formerly Invitae), Labcorp
Classification: Uncertain significance. Last evaluated: 2024-12-28. Review status: criteria provided, single submitter. Criteria: Invitae Variant Classification Sherloc (09022015). Collection method: clinical testing. Allele origin: germline.
Comment: This sequence change replaces tyrosine, which is neutral and polar, with cysteine, which is neutral and slightly polar, at codon 1317 of the AHDC1 protein (p.Tyr1317Cys). This variant is present in population databases (no rsID available, gnomAD 0.007%). This variant has not been reported in the literature in individuals affected with AHDC1-related conditions. An algorithm developed to predict the effect of missense changes on protein structure and function (PolyPhen-2) suggests that this variant is likely to be disruptive. In summary, the available evidence is currently insufficient to determine the role of this variant in disease. Therefore, it has been classified as a Variant of Uncertain Significance.

NM_001371928.1(AHDC1):c.3950A>G (p.Tyr1317Cys)

Gene: AHDC1 (AT-hook DNA binding motif containing 1; minus strand). Cytogenetic location: 1p36.11.
Variant type: single nucleotide variant.
Coding change: c.3950A>G on transcript NM_001371928.1 (MANE Select); coding-DNA position 3950, A replaced by G.
Protein change: p.Tyr1317Cys; replaces tyrosine 1317 with cysteine.
Molecular consequence: missense variant.
Genome position (GRCh38, 1-based): chr1:27,548,166, T>C on the plus strand (A>G on the coding strand, the complement: AHDC1 is on the minus strand). VCF-style: chr1-27548166-T-C. GRCh37 (hg19) VCF-style: chr1-27874677-T-C.
Other names: c.3950A>G, p.Tyr1317Cys (NM_001029882.3); short protein forms Y1317C.
Identifiers: ClinVar variation 3650635 (VCV003650635.2).